The following is an entry in ClinVar:

ClinVar aggregate classification (germline): Conflicting classifications of pathogenicity. Review status: criteria provided, conflicting classifications (1 of 4 stars). 8 submissions from 8 submitters: Uncertain significance (1); Benign (2); Likely benign (4). 1 of the submissions does not count toward it. Last evaluated 2026-01-26.

Conditions:
Cardiovascular phenotype. Identifiers: MedGen CN230736.
CAV3-related disorder. Also called: CAV3-related condition.
Long QT syndrome (LQTS). Identifiers: MedGen C0023976, MeSH D008133, MONDO:0002442. Disease mechanism: loss of function. Inheritance: Various modes of inheritance.

Allele frequency attached by ClinVar (database versions not stated): gnomAD exomes 0.00004 and 0.00013; ExAC 0.00014; gnomAD 0.00016 and 0.00017; TOPMed 0.00022; ESP Exome Variant Server 0.00023; 1000 Genomes Project 0.00040; 1000 Genomes Project 30x 0.00062.
gnomAD v4.1: 89 of 1,614,076 alleles (0.0055%); highest among the groups gnomAD compares: African/African-American, 0.056%; no homozygotes.

Submissions (8):

Labcorp Genetics (formerly Invitae), Labcorp
Classification: Benign for Long QT syndrome. Last evaluated: 2026-01-26. Review status: criteria provided, single submitter. Criteria: Invitae Variant Classification Sherloc (09022015). Collection method: clinical testing. Allele origin: germline.

Blueprint Genetics
Classification: Likely benign. Last evaluated: 2024-06-24. Review status: criteria provided, single submitter. Criteria: ACMG Guidelines, 2015. Collection method: clinical testing. Allele origin: germline.

Ambry Genetics
Classification: Likely benign for Cardiovascular phenotype. Last evaluated: 2020-09-16. Review status: criteria provided, single submitter. Criteria: Ambry Variant Classification Scheme 2023. Collection method: clinical testing. Allele origin: germline.

GeneDx
Classification: Likely benign. Last evaluated: 2020-02-12. Review status: criteria provided, single submitter. Criteria: GeneDx Variant Classification Process June 2021. Collection method: clinical testing. Allele origin: germline. Affected: yes.

Athena Diagnostics
Classification: Benign. Last evaluated: 2018-10-22. Review status: criteria provided, single submitter. Criteria: Athena Diagnostics Criteria. Collection method: clinical testing. Allele origin: germline.

Eurofins Ntd Llc (ga)
Classification: Uncertain significance. Last evaluated: 2016-09-05. Review status: criteria provided, single submitter. Criteria: EGL Classification Definitions 2015. Collection method: clinical testing. Allele origin: germline. Observed: 1 variant allele, 1 heterozygote.

Laboratory for Molecular Medicine, Mass General Brigham Personalized Medicine
Classification: Likely benign. Last evaluated: 2016-06-10. Review status: criteria provided, single submitter. Criteria: LMM Criteria. Collection method: clinical testing. Allele origin: germline. Observed: 1 variant allele.
Comment: p.Thr78Thr in exon 2 of CAV3: This variant is not expected to have clinical sign ificance because it does not alter an amino acid residue and is not located with in the splice consensus sequence. It has been identified in 0.1% (10/10386) of A frican chromosomes by the Exome Aggregation Consortium (ExAC; dbSNP rs148846096).

PreventionGenetics, part of Exact Sciences
Classification: Likely benign for CAV3-related condition. Last evaluated: 2024-03-20. Review status: no assertion criteria provided. Collection method: clinical testing. Allele origin: germline. Not counted in ClinVar's aggregate classification.
Comment: This variant is classified as likely benign based on ACMG/AMP sequence variant interpretation guidelines (Richards et al. 2015 PMID: 25741868, with internal and published modifications).

NM_033337.3(CAV3):c.234G>A (p.Thr78=)

Genes: CAV3 (caveolin 3; plus strand), OXTR (oxytocin receptor; minus strand). Cytogenetic location: 3p25.3.
Variant type: single nucleotide variant.
Coding change: c.234G>A on transcript NM_033337.3 (MANE Select); coding-DNA position 234, G replaced by A.
Protein change: p.Thr78=; no amino-acid change (threonine 78 retained).
Molecular consequence: synonymous variant.
Genome position (GRCh38, 1-based): chr3:8,745,645, G>A. VCF-style: chr3-8745645-G-A. GRCh37 (hg19) VCF-style: chr3-8787331-G-A.
Other names: c.234G>A, p.Thr78= (NM_001234.5).
Identifiers: ClinVar variation 241747 (VCV000241747.27), dbSNP rs148846096, ClinGen allele CA2236339.